The following is an entry in ClinVar:

NM_001079802.2(FKTN):c.1176C>A (p.Tyr392Ter)

Gene: FKTN (fukutin; plus strand). Cytogenetic location: 9q31.2.
Variant type: single nucleotide variant.
Coding change: c.1176C>A on transcript NM_001079802.2 (MANE Select); coding-DNA position 1176, C replaced by A.
Protein change: p.Tyr392Ter; replaces tyrosine 392 with a stop codon.
Molecular consequence: nonsense. On other transcripts: missense variant (1), non-coding transcript variant (2).
Genome position (GRCh38, 1-based): chr9:105,635,054, C>A. VCF-style: chr9-105635054-C-A. GRCh37 (hg19) VCF-style: chr9-108397335-C-A.
Other names: c.1176C>A, p.Tyr392Ter (NM_001198963.2, NM_001351496.2, NM_006731.2); c.1107C>A, p.Tyr369Ter (NM_001351497.2); c.1207C>A, p.Pro403Thr (NM_001351498.2); c.780C>A, p.Tyr260Ter (NM_001351499.2, NM_001351500.2, NM_001351501.2 and 1 more transcripts); short protein forms Y369*, Y392*, P403T, Y260*.
Identifiers: ClinVar variation 969988 (VCV000969988.18), dbSNP rs1203741361, ClinGen allele CA374378009.
Genomic context (GRCh38, chr9:105,635,054, plus strand): 5'-ATTCCTTAGCTAGACCTTCTTCCACTGTTGAAGCCTAATCCCTCTGTTTTGCTGCAGATA[C>A]CTGTTTCCGAAGTTTACACTGTGCTGGACTGAGTTTGTAGACATGAAGGTCCATGTACCC-3'

ClinVar aggregate classification (germline): Pathogenic/Likely pathogenic. Review status: criteria provided, multiple submitters, no conflicts (2 of 4 stars). 6 submissions from 6 submitters: Pathogenic (1); Likely pathogenic (5). Last evaluated 2025-04-18.

Conditions:
Cardiovascular phenotype. Identifiers: MedGen CN230736.
Dilated cardiomyopathy 1X (CMD1X). Also called: CARDIOMYOPATHY, DILATED, WITH MILD OR NO PROXIMAL MUSCLE WEAKNESS; FKTN-Related Dilated Cardiomyopathy. Identifiers: Orphanet 154, MedGen C1969024, MONDO:0012704, OMIM 611615.
Walker-Warburg congenital muscular dystrophy. Also called: Muscular dystrophy-dystroglycanopathy, type A; Walker-Warburg syndrome. Identifiers: Orphanet 899, MedGen C0265221, MONDO:0000171.
Muscular dystrophy-dystroglycanopathy (congenital with brain and eye anomalies), type A, 4 (MDDGA4). Also called: Muscular dystrophy, congenital progressive, with mental retardation; Muscular dystrophy, congenital, with central nervous system involvement; Cerebromuscular dystrophy, Fukuyama type; Fukuyama congenital muscular dystrophy; Congenital muscular dystrophy-dystroglycanopathy with brain and eye anomalies, type A4; WALKER-WARBURG SYNDROME OR MUSCLE-EYE-BRAIN DISEASE, FKTN-RELATED. Identifiers: Orphanet 272, Orphanet 588, Orphanet 899, MedGen C0410174, MONDO:0009678, OMIM 253800.
Autosomal recessive limb-girdle muscular dystrophy type 2M. Also called: MUSCULAR DYSTROPHY-DYSTROGLYCANOPATHY (LIMB-GIRDLE), TYPE C, 4; MUSCULAR DYSTROPHY, LIMB-GIRDLE, TYPE 2M. Identifiers: Orphanet 206554, MedGen C1969040, MONDO:0012699, OMIM 611588.
Muscular dystrophy-dystroglycanopathy (congenital without impaired intellectual development), type B, 4. Also called: Muscular dystrophy-dystroglycanopathy (congenital without intellectual disability), type B4; MUSCULAR DYSTROPHY, CONGENITAL, FKTN-RELATED. Identifiers: MedGen C2751052, MONDO:0013156, OMIM 613152.

Allele frequency attached by ClinVar (database versions not stated): gnomAD exomes below 0.00001; TOPMed 0.00002.
gnomAD v4.1: 22 of 1,613,868 alleles (0.0014%); highest among the groups gnomAD compares: Non-Finnish European, 0.0019%; no homozygotes.

Submissions (6):

Labcorp Genetics (formerly Invitae), Labcorp
Classification: Likely pathogenic for Walker-Warburg congenital muscular dystrophy. Last evaluated: 2025-04-18. Review status: criteria provided, single submitter. Criteria: Invitae Variant Classification Sherloc (09022015). Collection method: clinical testing. Allele origin: germline.
Comment: This sequence change creates a premature translational stop signal (p.Tyr392*) in the FKTN gene. While this is not anticipated to result in nonsense mediated decay, it is expected to disrupt the last 70 amino acid(s) of the FKTN protein. This variant is present in population databases (no rsID available, gnomAD 0.002%). This premature translational stop signal has been observed in individual(s) with Walker-Warburg syndrome (PMID: 18752264, 22522420). ClinVar contains an entry for this variant (Variation ID: 969988). This variant disrupts a region of the FKTN protein in which other variant(s) (p.Asn442Ser) have been observed in individuals with FKTN-related conditions (PMID: 28785732). This suggests that this is a clinically significant region of the protein, and that variants that disrupt it are likely to be disease-causing. In summary, the currently available evidence indicates that the variant is pathogenic, but additional data are needed to prove that conclusively. Therefore, this variant has been classified as Likely Pathogenic.

Natera, Inc.
Classification: Likely pathogenic for Walker-Warburg congenital muscular dystrophy. Last evaluated: 2024-10-25. Review status: criteria provided, single submitter. Criteria: Natera Variant Classification Schema (03/2026). Collection method: clinical testing. Allele origin: germline.
Comment: The c.1176C>A variant in FKTN is a nonsense variant predicted to introduce a stop codon at amino acid 392. This variant is expected to result in nonsense mediated decay, truncation, or a dysfunctional protein product. This variant is rare in the general population with a frequency below the threshold expected for the associated phenotype(s). This variant has been observed in one or more individuals affected with the associated recessive disease, as either homozygous or compound heterozygous with a second variant (PMID: 18752264). Given the available evidence, this variant is classified as Likely Pathogenic.

Baylor Genetics
Classification: Pathogenic for Dilated cardiomyopathy 1X. Last evaluated: 2023-10-14. Review status: criteria provided, single submitter. Criteria: ACMG Guidelines, 2015. Collection method: clinical testing. Allele origin: unknown.

Ambry Genetics
Classification: Likely pathogenic for Cardiovascular phenotype. Last evaluated: 2022-07-28. Review status: criteria provided, single submitter. Criteria: Ambry Variant Classification Scheme 2023. Collection method: clinical testing. Allele origin: germline.
Comment: The p.Y392* variant (also known as c.1176C>A), located in coding exon 9 of the FKTN gene, results from a C to A substitution at nucleotide position 1176. This changes the amino acid from a tyrosine to a stop codon within coding exon 9. This alteration occurs at the 3' terminus of theFKTN gene, is not expected to trigger nonsense-mediated mRNA decay, and impacts the last 14.9% of the protein. However, premature stop codons are typically deleterious in nature and the impacted region is critical for protein function (Ambry internal data). This alteration has been reported in an individual with Walker-Warburg syndrome, who was identified to have an additional alteration in FKTN (Manzini MC et al. Hum Mutat, 2008 Nov;29:E231-41). This variant is considered to be rare based on population cohorts in the Genome Aggregation Database (gnomAD). Based on the majority of available evidence to date, this variant is likely to be pathogenic.

AiLife Diagnostics
Classification: Likely pathogenic. Last evaluated: 2021-05-26. Review status: criteria provided, single submitter. Criteria: ACMG Guidelines, 2015. Collection method: clinical testing. Allele origin: germline. Affected: yes. Observed: 1 variant allele.

Revvity Omics, Revvity
Classification: Likely pathogenic. Last evaluated: 2019-07-08. Review status: criteria provided, single submitter. Criteria: ACMG Guidelines, 2015. Collection method: clinical testing. Allele origin: germline.

Literature cited by the submitters: PubMed 18752264 (cited by 4 submitters); PubMed 22522420 (cited by Labcorp Genetics (formerly Invitae), Labcorp); PubMed 28785732 (cited by Labcorp Genetics (formerly Invitae), Labcorp); PubMed 25525159 (cited by AiLife Diagnostics).